The following is an entry in ClinVar:

NM_000257.4(MYH7):c.1002C>G (p.Asn334Lys)

Gene: MYH7 (myosin heavy chain 7; minus strand). Cytogenetic location: 14q11.2.
Variant type: single nucleotide variant.
Coding change: c.1002C>G on transcript NM_000257.4 (MANE Select); coding-DNA position 1002, C replaced by G.
Protein change: p.Asn334Lys; replaces asparagine 334 with lysine.
Molecular consequence: missense variant.
Genome position (GRCh38, 1-based): chr14:23,429,911, G>C on the plus strand (C>G on the coding strand, the complement: MYH7 is on the minus strand). VCF-style: chr14-23429911-G-C. GRCh37 (hg19) VCF-style: chr14-23899120-G-C.
Other names: c.1002C>G, p.Asn334Lys (NM_001407004.1); short protein forms N334K.
Identifiers: ClinVar variation 4756168 (VCV004756168.1).

ClinVar aggregate classification (germline): Uncertain significance (1 of 4 stars; one submission).

Conditions:
Cardiomyopathy (CMYO). Also called: Cardiomyopathies. Identifiers: Orphanet 167848, MedGen C0878544, MONDO:0004994, HP:0001638. Inheritance: Various modes of inheritance.

Submission:

Color Diagnostics, LLC DBA Color Health
Classification: Uncertain significance for Cardiomyopathy. Last evaluated: 2025-08-26. Review status: criteria provided, single submitter. Criteria: ACMG Guidelines, 2015. Collection method: clinical testing. Allele origin: germline.
Comment: This missense variant replaces asparagine with lysine at codon 334 of the MYH7 protein. Computational prediction suggests that this variant may not impact protein structure and function. To our knowledge, functional studies have not been reported for this variant. This variant has not been reported in individuals affected with MYH7-related disorders in the literature. This variant has been identified in 1/251372 chromosomes in the general population by the Genome Aggregation Database (gnomAD). The available evidence is insufficient to determine the role of this variant in disease conclusively. Therefore, this variant is classified as a Variant of Uncertain Significance.